The following is an entry in ClinVar:

ClinVar aggregate classification (germline): Pathogenic (1 of 4 stars; one submission).

Conditions:
KBG syndrome (KBGS). Also called: ANKRD11-Related KBG Syndrome. Identifiers: Orphanet 2332, MedGen C0220687, MONDO:0007846, OMIM 148050.

Submission:

Medical Genetics Unit, Azienda USL-IRCCS di Reggio Emilia
Classification: Pathogenic for KBG syndrome. Last evaluated: 2022-07-27. Review status: criteria provided, single submitter. Criteria: ACMG Guidelines, 2015. Collection method: clinical testing. Allele origin: de novo. Affected: yes. Observed: 1 variant allele.
Comment: ACMG/AMP: PVS1,PS2,PM2

NM_013275.6(ANKRD11):c.1583dup (p.Ser528fs)

Gene: ANKRD11 (ankyrin repeat domain 11; minus strand). Cytogenetic location: 16q24.3.
Variant type: Duplication.
Coding change: c.1583dup on transcript NM_013275.6 (MANE Select); coding-DNA position 1583, one base duplicated (G; older notation c.1583dupG).
Protein change: p.Ser528fs; shifts the reading frame from serine 528.
Molecular consequence: frameshift variant.
Genome position (GRCh38, 1-based): chr16:89,284,959, C duplicated on the plus strand (G on the coding strand, the reverse complement: ANKRD11 is on the minus strand). VCF-style (leftmost placement, unchanged base first): chr16-89284958-G-GC. GRCh37 (hg19) VCF-style: chr16-89351366-G-GC.
Other names: c.1583dup, p.Ser528fs (NM_001256182.2, NM_001256183.2); short protein forms S528fs.
Identifiers: ClinVar variation 2503461 (VCV002503461.1), dbSNP rs2544244467, ClinGen allele CA2586963948.